The following is an entry in ClinVar:

NM_024318.5(LILRA6):c.1050= (p.Gln350=)

Gene: LILRA6 (leukocyte immunoglobulin like receptor A6; minus strand). Cytogenetic location: 19q13.42.
Variant type: Variation.
Coding change: c.1050= on transcript NM_024318.5 (MANE Select); coding-DNA position 1050, no change from the reference sequence.
Protein change: p.Gln350=; no amino-acid change (glutamine 350 retained).
Molecular consequence: no sequence alteration. On other transcripts: non-coding transcript variant (1).
Genome position: GRCh38 VCF-style: chr19-54240482-C-C. GRCh37 (hg19) VCF-style: chr19-54744358-A-C.
Other names: NC_000019.9:g.54744358A>C; c.1050= (NM_024318.4).
Identifiers: ClinVar variation 2650431 (VCV002650431.25).

ClinVar aggregate classification (germline): Likely benign (1 of 4 stars; one submission).

Submissions (4):

CeGaT Center for Human Genetics Tuebingen
Classification: Likely benign. Last evaluated: 2023-04-01. Review status: criteria provided, single submitter. Criteria: CeGaT Center For Human Genetics Tuebingen Variant Classification Criteria Version 2. Collection method: clinical testing. Allele origin: germline. Affected: yes. Observed: 1 variant allele.
Comment: LILRA6: BS2

Dr. Peter K. Rogan Lab, Western University
No classification provided (evidence only). Condition: Nonpapillary renal cell carcinoma. Review status: no classification provided. Collection method: in vitro. Allele origin: not applicable. Functional consequence: retained intron. Not counted in ClinVar's aggregate classification.

Dr. Peter K. Rogan Lab, Western University
No classification provided (evidence only). Condition: Gastric cancer. Review status: no classification provided. Collection method: in vitro. Allele origin: not applicable. Functional consequence: retained intron. Not counted in ClinVar's aggregate classification.

Dr. Peter K. Rogan Lab, Western University
No classification provided (evidence only). Condition: Malignant tumor of esophagus. Review status: no classification provided. Collection method: in vitro. Allele origin: not applicable. Functional consequence: retained intron. Not counted in ClinVar's aggregate classification.